The following is an entry in ClinVar:

NM_001414.4(EIF2B1):c.65C>G (p.Ser22Ter)

Gene: EIF2B1 (eukaryotic translation initiation factor 2B subunit alpha; minus strand). Cytogenetic location: 12q24.31.
Variant type: single nucleotide variant.
Coding change: c.65C>G on transcript NM_001414.4 (MANE Select); coding-DNA position 65, C replaced by G.
Protein change: p.Ser22Ter; replaces serine 22 with a stop codon.
Molecular consequence: nonsense.
Genome position (GRCh38, 1-based): chr12:123,632,395, G>C on the plus strand (C>G on the coding strand, the complement: EIF2B1 is on the minus strand). VCF-style: chr12-123632395-G-C. GRCh37 (hg19) VCF-style: chr12-124116942-G-C.
Other names: short protein forms S22*.
Identifiers: ClinVar variation 2767181 (VCV002767181.3), dbSNP rs2541679076, ClinGen allele CA387147308.

ClinVar aggregate classification (germline): Pathogenic (1 of 4 stars; one submission).

gnomAD v4.1: 1 of 1,613,804 alleles (0.000062%); no homozygotes.

Submission:

Labcorp Genetics (formerly Invitae), Labcorp
Classification: Pathogenic. Last evaluated: 2023-10-09. Review status: criteria provided, single submitter. Criteria: Invitae Variant Classification Sherloc (09022015). Collection method: clinical testing. Allele origin: germline.
Comment: This sequence change creates a premature translational stop signal (p.Ser22*) in the EIF2B1 gene. It is expected to result in an absent or disrupted protein product. Loss-of-function variants in EIF2B1 are known to be pathogenic (PMID: 11835386, 32865661). This variant is not present in population databases (gnomAD no frequency). This variant has not been reported in the literature in individuals affected with EIF2B1-related conditions. For these reasons, this variant has been classified as Pathogenic.

Literature cited by the submitters: PubMed 11835386; PubMed 32865661.